The following is an entry in ClinVar:

ClinVar aggregate classification (germline): Uncertain significance (1 of 4 stars; one submission).

Allele frequency attached by ClinVar (database versions not stated): gnomAD 0.00001; gnomAD exomes 0.00002; TOPMed 0.00002.
gnomAD v4.1: 174 of 1,547,518 alleles (0.011%); highest among the groups gnomAD compares: Non-Finnish European, 0.015%; no homozygotes.

Submission:

GeneDx
Classification: Uncertain significance. Last evaluated: 2019-12-11. Review status: criteria provided, single submitter. Criteria: GeneDx Variant Classification Process June 2021. Collection method: clinical testing. Allele origin: germline. Affected: yes.
Comment: Not observed at a significant frequency in large population cohorts (Lek et al., 2016); In silico analysis, which includes protein predictors and evolutionary conservation, supports a deleterious effect; Has not been previously published as pathogenic or benign to our knowledge

NM_001292063.2(OTOG):c.8129C>T (p.Pro2710Leu)

Gene: OTOG (otogelin; plus strand). Cytogenetic location: 11p15.1.
Variant type: single nucleotide variant.
Coding change: c.8129C>T on transcript NM_001292063.2 (MANE Select); coding-DNA position 8129, C replaced by T.
Protein change: p.Pro2710Leu; replaces proline 2710 with leucine.
Molecular consequence: missense variant.
Genome position (GRCh38, 1-based): chr11:17,641,030, C>T. VCF-style: chr11-17641030-C-T. GRCh37 (hg19) VCF-style: chr11-17662577-C-T.
Other names: c.8165C>T, p.Pro2722Leu (NM_001277269.2); short protein forms P2710L, P2722L.
Identifiers: ClinVar variation 1310994 (VCV001310994.2), dbSNP rs767832989, ClinGen allele CA218456070.
Genomic context (GRCh38, chr11:17,641,030, plus strand): 5'-TGGTGGAGCTCTCAGCAGATGGCGTGTGCCACACCTCCCGCTGCACCACCGTGCTCGACC[C>T]TCTCACCAACTTCTACCAGATCAACACCACCTCCGTGCTCTGTGACATCCACTGTGAGGC-3'
Protein context (NP_001278992.1, residues 2700-2720): HTSRCTTVLD[Pro2710Leu]LTNFYQINTT